The following is an entry in ClinVar:

NM_001376.5(DYNC1H1):c.3346G>C (p.Val1116Leu)

Gene: DYNC1H1 (dynein cytoplasmic 1 heavy chain 1; plus strand). Cytogenetic location: 14q32.31.
Variant type: single nucleotide variant.
Coding change: c.3346G>C on transcript NM_001376.5 (MANE Select); coding-DNA position 3346, G replaced by C.
Protein change: p.Val1116Leu; replaces valine 1116 with leucine.
Molecular consequence: missense variant.
Genome position (GRCh38, 1-based): chr14:101,994,998, G>C. VCF-style: chr14-101994998-G-C. GRCh37 (hg19) VCF-style: chr14-102461335-G-C.
Other names: short protein forms V1116L.
Identifiers: ClinVar variation 2572461 (VCV002572461.1), dbSNP rs2503715355, ClinGen allele CA391033625.

ClinVar aggregate classification (germline): Uncertain significance (1 of 4 stars; one submission).

Conditions:
Autosomal dominant childhood-onset proximal spinal muscular atrophy without contractures. Also called: Spinal muscular atrophy, lower extremity-predominant 1, AD; SPINAL MUSCULAR ATROPHY, CHILDHOOD, PROXIMAL, AUTOSOMAL DOMINANT; KUGELBERG-WELANDER SYNDROME, AUTOSOMAL DOMINANT; SPINAL MUSCULAR ATROPHY, JUVENILE, PROXIMAL, AUTOSOMAL DOMINANT. Identifiers: Orphanet 209341, Orphanet 363447, MedGen C5780022, MONDO:0008026, OMIM 158600.

Submission:

3billion
Classification: Uncertain significance for Autosomal dominant childhood-onset proximal spinal muscular atrophy without contractures. Review status: criteria provided, single submitter. Criteria: ACMG Guidelines, 2015. Collection method: clinical testing. Allele origin: unknown. Affected: yes. Observed: 1 heterozygote.
Comment: The variant is not observed in the gnomAD v2.1.1 dataset. Missense changes are a common disease-causing mechanism. In silico tool predictions suggest damaging effect of the variant on gene or gene product (REVEL: 0.59; 3Cnet: 0.65). A different missense change at the same codon (p.Val1116Ala) has been reported to be associated with DYNC1H1 related disorder (ClinVar ID: VCV000813292 / PMID: 32656949). However the evidence of pathogenicity is insufficient at this time. Therefore, this variant is classified as Uncertain significance according to the recommendation of ACMG/AMP guideline.

Literature cited by the submitters: PubMed 32656949.